The following is an entry in ClinVar:

NM_000254.3(MTR):c.349A>C (p.Met117Leu)

Gene: MTR (5-methyltetrahydrofolate-homocysteine methyltransferase; plus strand). Cytogenetic location: 1q43.
Variant type: single nucleotide variant.
Coding change: c.349A>C on transcript NM_000254.3 (MANE Select); coding-DNA position 349, A replaced by C.
Protein change: p.Met117Leu; replaces methionine 117 with leucine.
Molecular consequence: missense variant. On other transcripts: 5 prime UTR variant (1).
Genome position (GRCh38, 1-based): chr1:236,808,713, A>C. VCF-style: chr1-236808713-A-C. GRCh37 (hg19) VCF-style: chr1-236972013-A-C.
Other names: c.349A>C, p.Met117Leu (NM_001291939.1); c.-760A>C (NM_001291940.2); short protein forms M117L.
Identifiers: ClinVar variation 856482 (VCV000856482.7), dbSNP rs143180799, ClinGen allele CA1473714.

ClinVar aggregate classification (germline): Uncertain significance (1 of 4 stars; one submission).

Conditions:
Methylcobalamin deficiency type cblG (HMAG). Also called: HOMOCYSTINURIA-MEGALOBLASTIC ANEMIA DUE TO DEFECT IN COBALAMIN METABOLISM, cblG COMPLEMENTATION TYPE; HOMOCYSTINURIA-MEGALOBLASTIC ANEMIA, cblG TYPE; HOMOCYSTINURIA-MEGALOBLASTIC ANEMIA, cblG COMPLEMENTATION TYPE; Functional methionine synthase deficiency type cblG. Identifiers: Orphanet 2170, Orphanet 622, MedGen C1855128, MONDO:0009609, OMIM 250940.

Allele frequency attached by ClinVar (database versions not stated): TOPMed 0.00003; ESP Exome Variant Server 0.00015.

Submission:

Labcorp Genetics (formerly Invitae), Labcorp
Classification: Uncertain significance for Methylcobalamin deficiency type cblG. Last evaluated: 2021-08-24. Review status: criteria provided, single submitter. Criteria: Invitae Variant Classification Sherloc (09022015). Collection method: clinical testing. Allele origin: germline.
Comment: This sequence change replaces methionine with leucine at codon 117 of the MTR protein (p.Met117Leu). The methionine residue is moderately conserved and there is a small physicochemical difference between methionine and leucine. This variant is present in population databases (rs143180799, ExAC 0.01%). This variant has not been reported in the literature in individuals affected with MTR-related conditions. Algorithms developed to predict the effect of missense changes on protein structure and function output the following: SIFT: "Tolerated"; PolyPhen-2: "Benign"; Align-GVGD: "Class C0". The leucine amino acid residue is found in multiple mammalian species, which suggests that this missense change does not adversely affect protein function. In summary, the available evidence is currently insufficient to determine the role of this variant in disease. Therefore, it has been classified as a Variant of Uncertain Significance.